The following is an entry in ClinVar:

NM_007294.4(BRCA1):c.4016A>T (p.Glu1339Val)

Genes: BRCA1 (BRCA1 DNA repair associated; minus strand), LOC126862571 (BRD4-independent group 4 enhancer GRCh37_chr17:41243136-41244335; plus strand). Cytogenetic location: 17q21.31.
Variant type: single nucleotide variant.
Coding change: c.4016A>T on transcript NM_007294.4 (MANE Select); coding-DNA position 4016, A replaced by T.
Protein change: p.Glu1339Val; replaces glutamic acid 1339 with valine.
Molecular consequence: missense variant. On other transcripts: intron variant (135).
Genome position (GRCh38, 1-based): chr17:43,091,515, T>A on the plus strand (A>T on the coding strand, the complement: BRCA1 is on the minus strand). VCF-style: chr17-43091515-T-A. GRCh37 (hg19) VCF-style: chr17-41243532-T-A.
Other names: c.3875A>T, p.Glu1292Val (NM_001407738.1, NM_001407739.1, NM_001407751.1 and 29 more transcripts); c.3872A>T, p.Glu1291Val (NM_001407740.1, NM_001407741.1, NM_001407742.1 and 20 more transcripts); c.3803A>T, p.Glu1268Val (NM_001407571.1, NM_001407853.1, NM_001407894.1 and 9 more transcripts); c.4016A>T, p.Glu1339Val (NM_001407581.1, NM_001407582.1, NM_001407583.1 and 30 more transcripts); c.4013A>T, p.Glu1338Val (NM_001407587.1, NM_001407590.1, NM_001407591.1 and 22 more transcripts); c.4007A>T, p.Glu1336Val (NM_001407646.1, NM_001407647.1); c.3893A>T, p.Glu1298Val (NM_001407648.1, NM_001407664.1, NM_001407665.1 and 19 more transcripts); c.3890A>T, p.Glu1297Val (NM_001407649.1, NM_001407670.1, NM_001407671.1 and 11 more transcripts); and 41 more; short protein forms E1043V, E1171V, E1211V, E1212V, E1227V, E1228V, E1250V, E1251V.
Identifiers: ClinVar variation 1717903 (VCV001717903.8), dbSNP rs886039313, ClinGen allele CA10593927.
Genomic context (GRCh38, chr17:43,091,515, plus strand): 5'-TGCTCTTCTTGATTATTTTCTTCCAAGCCCGTTCCTCTTTCTTCATCATCTGAAACCAAT[T>A]CCTTGTCACTCAGACCAACTCCCTGGCTTTCAGACTGATGCCTCATTTGTTTGGAAGAAC-3'
Protein context (NP_009225.1, residues 1329-1349): ESQGVGLSDK[Glu1339Val]LVSDDEERGT

ClinVar aggregate classification (germline): Conflicting classifications of pathogenicity. Review status: criteria provided, conflicting classifications (1 of 4 stars). 2 submissions from 2 submitters: Uncertain significance (1); Likely benign (1). Last evaluated 2023-03-23.

Conditions:
Hereditary cancer-predisposing syndrome. Also called: Hereditary neoplastic syndrome; Neoplastic Syndromes, Hereditary; Hereditary Cancer Syndrome; Tumor predisposition. Identifiers: Orphanet 140162, MedGen C0027672, MeSH D009386, MONDO:0015356.
Hereditary breast ovarian cancer syndrome. Also called: BRCA1- and BRCA2-Associated Hereditary Breast and Ovarian Cancer; Hereditary breast and ovarian cancer syndrome (HBOC); Hereditary breast and/or ovarian cancer syndrome; Hereditary breast and ovarian cancer syndrome; Hereditary breast and ovarian cancer; Breast and ovarian cancer. Identifiers: Orphanet 145, MedGen C0677776, MeSH D061325, MONDO:0003582. Disease mechanism: loss of function.

Submissions (2):

University of Washington Department of Laboratory Medicine, University of Washington
Classification: Likely benign for Hereditary cancer-predisposing syndrome. Last evaluated: 2023-03-23. Review status: criteria provided, single submitter. Criteria: Dines et al. (Genet Med. 2020). Collection method: curation. Allele origin: germline.
Comment: Missense variant in a coldspot region where missense variants are very unlikely to be pathogenic (PMID:31911673).

BRCA1 coldspot (exon 11 using historical exon numbering). Reclassification based on statistical prior probability

Labcorp Genetics (formerly Invitae), Labcorp
Classification: Uncertain significance for Hereditary breast ovarian cancer syndrome. Last evaluated: 2022-08-23. Review status: criteria provided, single submitter. Criteria: Invitae Variant Classification Sherloc (09022015). Collection method: clinical testing. Allele origin: germline.
Comment: In summary, the available evidence is currently insufficient to determine the role of this variant in disease. Therefore, it has been classified as a Variant of Uncertain Significance. Advanced modeling of protein sequence and biophysical properties (such as structural, functional, and spatial information, amino acid conservation, physicochemical variation, residue mobility, and thermodynamic stability) performed at Invitae indicates that this missense variant is not expected to disrupt BRCA1 protein function. This variant has not been reported in the literature in individuals affected with BRCA1-related conditions. This variant is not present in population databases (gnomAD no frequency). This sequence change replaces glutamic acid, which is acidic and polar, with valine, which is neutral and non-polar, at codon 1339 of the BRCA1 protein (p.Glu1339Val).